The following is an entry in ClinVar:

NM_000321.3(RB1):c.-161G>A

Gene: RB1 (RB transcriptional corepressor 1; plus strand). Cytogenetic location: 13q14.2.
Variant type: single nucleotide variant.
Coding change: c.-161G>A on transcript NM_000321.3 (MANE Select); 161 bases upstream of the start codon, G replaced by A.
Molecular consequence: 5 prime UTR variant.
Genome position (GRCh38, 1-based): chr13:48,303,752, G>A. VCF-style: chr13-48303752-G-A. GRCh37 (hg19) VCF-style: chr13-48877888-G-A.
Other names: c.-161G>A (NM_001407165.1, NM_001407166.1, NM_001407167.1).
Identifiers: ClinVar variation 4769403 (VCV004769403.1).

ClinVar aggregate classification (germline): Uncertain significance (1 of 4 stars; one submission).

Conditions:
Retinoblastoma (RB1). Also called: RETINOBLASTOMA, SOMATIC. Identifiers: Orphanet 790, MedGen C0035335, MeSH D012175, MONDO:0008380, OMIM 180200, HP:0009919. Disease mechanism: loss of function. Inheritance: Both sporadic and heritable forms are tested..

gnomAD v4.1: 2 of 1,171,270 alleles (0.00017%); highest among the groups gnomAD compares: Non-Finnish European, 0.00011%; no homozygotes.

Submission:

Labcorp Genetics (formerly Invitae), Labcorp
Classification: Uncertain significance for Retinoblastoma. Last evaluated: 2025-07-24. Review status: criteria provided, single submitter. Criteria: Invitae Variant Classification Sherloc (09022015). Collection method: clinical testing. Allele origin: germline.
Comment: This variant occurs in a non-coding region of the RB1 gene. It does not change the encoded amino acid sequence of the RB1 protein. This variant is not present in population databases (gnomAD no frequency). This variant has not been reported in the literature in individuals affected with RB1-related conditions. In summary, the available evidence is currently insufficient to determine the role of this variant in disease. Therefore, it has been classified as a Variant of Uncertain Significance.